The following is an entry in ClinVar:

NM_000447.3(PSEN2):c.566G>C (p.Gly189Ala)

Gene: PSEN2 (presenilin 2; plus strand). Cytogenetic location: 1q42.13.
Variant type: single nucleotide variant.
Coding change: c.566G>C on transcript NM_000447.3 (MANE Select); coding-DNA position 566, G replaced by C.
Protein change: p.Gly189Ala; replaces glycine 189 with alanine.
Molecular consequence: missense variant.
Genome position (GRCh38, 1-based): chr1:226,888,158, G>C. VCF-style: chr1-226888158-G-C. GRCh37 (hg19) VCF-style: chr1-227075859-G-C.
Other names: c.566G>C, p.Gly189Ala (NM_012486.3); short protein forms G189A.
Identifiers: ClinVar variation 2727425 (VCV002727425.3), dbSNP rs371686514, ClinGen allele CA1424571.

ClinVar aggregate classification (germline): Uncertain significance (1 of 4 stars; one submission).

Conditions:
Alzheimer disease 4 (AD4). Identifiers: Orphanet 1020, MedGen C1847200, MONDO:0011743, OMIM 606889.

Allele frequency attached by ClinVar (database versions not stated): gnomAD exomes below 0.00001; ExAC 0.00001; ESP Exome Variant Server 0.00008.
gnomAD v4.1: 4 of 1,611,416 alleles (0.00025%); highest among the groups gnomAD compares: Non-Finnish European, 0.00034%; no homozygotes.

Submission:

Labcorp Genetics (formerly Invitae), Labcorp
Classification: Uncertain significance for Alzheimer disease 4. Last evaluated: 2022-12-29. Review status: criteria provided, single submitter. Criteria: Invitae Variant Classification Sherloc (09022015). Collection method: clinical testing. Allele origin: germline.
Comment: This variant is present in population databases (rs371686514, gnomAD 0.0009%). In summary, the available evidence is currently insufficient to determine the role of this variant in disease. Therefore, it has been classified as a Variant of Uncertain Significance. Variants that disrupt the consensus splice site are a relatively common cause of aberrant splicing (PMID: 17576681, 9536098). Algorithms developed to predict the effect of missense changes on protein structure and function are either unavailable or do not agree on the potential impact of this missense change (SIFT: "Tolerated"; PolyPhen-2: "Possibly Damaging"; Align-GVGD: "Class C0"). This variant has not been reported in the literature in individuals affected with PSEN2-related conditions. This sequence change replaces glycine, which is neutral and non-polar, with alanine, which is neutral and non-polar, at codon 189 of the PSEN2 protein (p.Gly189Ala). This variant also falls at the last nucleotide of exon 7, which is part of the consensus splice site for this exon.

Literature cited by the submitters: PubMed 17576681; PubMed 9536098.